The following is an entry in ClinVar:

ClinVar aggregate classification (germline): Uncertain significance (1 of 4 stars; one submission).

gnomAD v4.1: 1 of 1,613,330 alleles (0.000062%); highest among the groups gnomAD compares: Non-Finnish European, 0.000085%; no homozygotes.

Submission:

Labcorp Genetics (formerly Invitae), Labcorp
Classification: Uncertain significance. Last evaluated: 2023-09-15. Review status: criteria provided, single submitter. Criteria: Invitae Variant Classification Sherloc (09022015). Collection method: clinical testing. Allele origin: germline.
Comment: Algorithms developed to predict the effect of missense changes on protein structure and function output the following: SIFT: "Not Available"; PolyPhen-2: "Benign"; Align-GVGD: "Not Available". The arginine amino acid residue is found in multiple mammalian species, which suggests that this missense change does not adversely affect protein function. In summary, the available evidence is currently insufficient to determine the role of this variant in disease. Therefore, it has been classified as a Variant of Uncertain Significance. This sequence change replaces glycine, which is neutral and non-polar, with arginine, which is basic and polar, at codon 812 of the MICAL1 protein (p.Gly812Arg). This variant is not present in population databases (gnomAD no frequency). This variant has not been reported in the literature in individuals affected with MICAL1-related conditions.

NM_022765.4(MICAL1):c.2377G>C (p.Gly793Arg)

Gene: MICAL1 (microtubule associated monooxygenase, calponin and LIM domain containing 1; minus strand). Cytogenetic location: 6q21.
Variant type: single nucleotide variant.
Coding change: c.2377G>C on transcript NM_022765.4 (MANE Select); coding-DNA position 2377, G replaced by C.
Protein change: p.Gly793Arg; replaces glycine 793 with arginine.
Molecular consequence: missense variant.
Genome position (GRCh38, 1-based): chr6:109,446,340, C>G on the plus strand (G>C on the coding strand, the complement: MICAL1 is on the minus strand). VCF-style: chr6-109446340-C-G. GRCh37 (hg19) VCF-style: chr6-109767543-C-G.
Other names: c.2119G>C, p.Gly707Arg (NM_001159291.2); c.2434G>C, p.Gly812Arg (NM_001286613.2); short protein forms G707R, G812R, G793R.
Identifiers: ClinVar variation 2757257 (VCV002757257.3), dbSNP rs148422524, ClinGen allele CA365223848.